The following is an entry in ClinVar:

ClinVar aggregate classification (germline): Uncertain significance (1 of 4 stars; one submission).

Conditions:
Hereditary cancer-predisposing syndrome. Also called: Neoplastic Syndromes, Hereditary; Tumor predisposition; Hereditary Cancer Syndrome; Hereditary neoplastic syndrome. Identifiers: Orphanet 140162, MedGen C0027672, MeSH D009386, MONDO:0015356.

Submission:

Ambry Genetics
Classification: Uncertain significance for Hereditary cancer-predisposing syndrome. Last evaluated: 2022-10-19. Review status: criteria provided, single submitter. Criteria: Ambry Variant Classification Scheme 2023. Collection method: clinical testing. Allele origin: germline.
Comment: The p.S1367T variant (also known as c.4100G>C), located in coding exon 21 of the DICER1 gene, results from a G to C substitution at nucleotide position 4100. The serine at codon 1367 is replaced by threonine, an amino acid with similar properties. This amino acid position is highly conserved in available vertebrate species. In addition, the in silico prediction for this alteration is inconclusive. Since supporting evidence is limited at this time, the clinical significance of this alteration remains unclear.

NM_177438.3(DICER1):c.4100G>C (p.Ser1367Thr)

Gene: DICER1 (dicer 1, ribonuclease III; minus strand). Cytogenetic location: 14q32.13.
Variant type: single nucleotide variant.
Coding change: c.4100G>C on transcript NM_177438.3 (MANE Select); coding-DNA position 4100, G replaced by C.
Protein change: p.Ser1367Thr; replaces serine 1367 with threonine.
Molecular consequence: missense variant. On other transcripts: non-coding transcript variant (6).
Genome position (GRCh38, 1-based): chr14:95,099,886, C>G on the plus strand (G>C on the coding strand, the complement: DICER1 is on the minus strand). VCF-style: chr14-95099886-C-G. GRCh37 (hg19) VCF-style: chr14-95566223-C-G.
Other names: c.4100G>C, p.Ser1367Thr (NM_001195573.1, NM_001271282.3, NM_001291628.2 and 13 more transcripts); c.3818G>C, p.Ser1273Thr (NM_001395686.1); c.3695G>C, p.Ser1232Thr (NM_001395687.1, NM_001395688.1, NM_001395689.1 and 2 more transcripts); c.3533G>C, p.Ser1178Thr (NM_001395691.1); c.2417G>C, p.Ser806Thr (NM_001395697.1); short protein forms S1273T, S1367T, S806T, S1178T, S1232T.
Identifiers: ClinVar variation 1737857 (VCV001737857.2), dbSNP rs2139902555, ClinGen allele CA390872138.